The following is an entry in ClinVar:

NM_000179.3(MSH6):c.312C>T (p.Pro104=)

Gene: MSH6 (mutS homolog 6; plus strand). Cytogenetic location: 2p16.3.
Variant type: single nucleotide variant.
Coding change: c.312C>T on transcript NM_000179.3 (MANE Select); coding-DNA position 312, C replaced by T.
Protein change: p.Pro104=; no amino-acid change (proline 104 retained).
Molecular consequence: synonymous variant. On other transcripts: 5 prime UTR variant (2), intron variant (1).
Genome position (GRCh38, 1-based): chr2:47,790,978, C>T. VCF-style: chr2-47790978-C-T. GRCh37 (hg19) VCF-style: chr2-48018117-C-T.
Other names: c.-425C>T (NM_001281493.2); c.-591C>T (NM_001281494.2); c.237+7508C>T (NM_001281492.2).
Identifiers: ClinVar variation 628142 (VCV000628142.4), dbSNP rs1558651946, ClinGen allele CA425989178.

ClinVar aggregate classification (germline): Benign/Likely benign. Review status: criteria provided, multiple submitters, no conflicts (2 of 4 stars). 3 submissions from 3 submitters: Benign (1); Likely benign (2). Last evaluated 2025-06-21.

Conditions:
Hereditary cancer-predisposing syndrome. Also called: Neoplastic Syndromes, Hereditary; Tumor predisposition; Hereditary neoplastic syndrome; Hereditary Cancer Syndrome. Identifiers: Orphanet 140162, MedGen C0027672, MeSH D009386, MONDO:0015356.
Lynch syndrome 5 (LYNCH5). Also called: Colorectal cancer, hereditary nonpolyposis, type 5; Hereditary non-polyposis colorectal cancer, type 5. Identifiers: Orphanet 144, MedGen C1833477, MONDO:0013710, OMIM 614350. Disease mechanism: loss of function.

gnomAD v4.1: 1 of 1,614,226 alleles (0.000062%); highest among the groups gnomAD compares: Non-Finnish European, 0.000085%; no homozygotes.

Submissions (3):

Ambry Genetics
Classification: Likely benign for Hereditary cancer-predisposing syndrome. Last evaluated: 2025-06-21. Review status: criteria provided, single submitter. Criteria: Ambry Variant Classification Scheme 2023. Collection method: clinical testing. Allele origin: germline.

Myriad Genetics, Inc.
Classification: Benign for Lynch syndrome 5. Last evaluated: 2024-12-18. Review status: criteria provided, single submitter. Criteria: Myriad Autosomal Dominant, Autosomal Recessive and X-Linked Classification Criteria (2023). Collection method: clinical testing. Allele origin: unknown.
Comment: This variant is considered benign. This variant is a silent/synonymous amino acid change and it is not expected to impact splicing.

Color Diagnostics, LLC DBA Color Health
Classification: Likely benign for Hereditary cancer-predisposing syndrome. Last evaluated: 2018-04-05. Review status: criteria provided, single submitter. Criteria: ACMG Guidelines, 2015. Collection method: clinical testing. Allele origin: germline.